The following is an entry in ClinVar:

NM_000702.4(ATP1A2):c.2943-47C>G

Gene: ATP1A2 (ATPase Na+/K+ transporting subunit alpha 2; plus strand). Cytogenetic location: 1q23.2.
Variant type: single nucleotide variant.
Coding change: c.2943-47C>G on transcript NM_000702.4 (MANE Select); 47 bases into the intron before coding-DNA position 2943, C replaced by G.
Molecular consequence: intron variant.
Genome position (GRCh38, 1-based): chr1:160,139,846, C>G. VCF-style: chr1-160139846-C-G. GRCh37 (hg19) VCF-style: chr1-160109636-C-G.
Identifiers: ClinVar variation 1182107 (VCV001182107.6), dbSNP rs17846717, ClinGen allele CA1194892.
Genomic context (GRCh38, chr1:160,139,846, plus strand): 5'-TTCAGCCCCCTCCAGGATCCAAGTTCTGATCGCTTTGAATGCTCCTTTATGTGACAGCCA[C>G]CAAGCCAACCTCTGATGCTGCTGACACTCTCCTCCATTGCTTTCAGAGTCACCTGGTGGT-3'

ClinVar aggregate classification (germline): Benign. Review status: criteria provided, multiple submitters, no conflicts (2 of 4 stars). 7 submissions from 4 submitters: Benign (7). Last evaluated 2024-07-15.

Conditions:
Fetal akinesia, respiratory insufficiency, microcephaly, polymicrogyria, and dysmorphic facies. Identifiers: MedGen C5562015, MONDO:0859204, OMIM 619602.
Developmental and epileptic encephalopathy 98. Identifiers: MedGen C5562017, MONDO:0030472, OMIM 619605.
Alternating hemiplegia of childhood 1 (AHC1). Identifiers: Orphanet 2131, MedGen C3549447, MONDO:0007087, OMIM 104290.
Migraine, familial hemiplegic, 2. Identifiers: Orphanet 569, MedGen C1865322, MONDO:0011232, OMIM 602481.

Allele frequency attached by ClinVar (database versions not stated): 1000 Genomes Project 0.09625; 1000 Genomes Project 30x 0.10212; TOPMed 0.12238; ESP Exome Variant Server 0.12686; ExAC 0.12973; gnomAD 0.13047 and 0.13239; gnomAD exomes 0.13072 and 0.13397.
gnomAD v4.1: 214,783 of 1,611,944 alleles (13%); highest among the groups gnomAD compares: Admixed American, 14%; 14,961 homozygotes.

Submissions (7):

Unidad de Genómica Garrahan, Hospital de Pediatría Garrahan
Classification: Benign. Last evaluated: 2024-07-15. Review status: criteria provided, single submitter. Criteria: ACMG Guidelines, 2015. Collection method: clinical testing. Allele origin: germline. Affected: no. Observed: 24 variant alleles.
Comment: This variant is classified as Benign based on local population frequency. This variant was detected in 26% of patients studied in a panel designed for Epileptic and Developmental Encephalopathy and Progressive Myoclonus Epilepsy. Number of patients: 24. Only high quality variants are reported.

Genome-Nilou Lab
Classification: Benign for Alternating hemiplegia of childhood 1. Last evaluated: 2021-12-05. Review status: criteria provided, single submitter. Criteria: ACMG Guidelines, 2015. Collection method: clinical testing. Allele origin: germline. Affected: no.

Genome-Nilou Lab
Classification: Benign for Developmental and epileptic encephalopathy 98. Last evaluated: 2021-12-05. Review status: criteria provided, single submitter. Criteria: ACMG Guidelines, 2015. Collection method: clinical testing. Allele origin: germline. Affected: no.

Genome-Nilou Lab
Classification: Benign for Fetal akinesia, respiratory insufficiency, microcephaly, polymicrogyria, and dysmorphic facies. Last evaluated: 2021-12-05. Review status: criteria provided, single submitter. Criteria: ACMG Guidelines, 2015. Collection method: clinical testing. Allele origin: germline. Affected: no.

Genome-Nilou Lab
Classification: Benign for Migraine, familial hemiplegic, 2. Last evaluated: 2021-12-05. Review status: criteria provided, single submitter. Criteria: ACMG Guidelines, 2015. Collection method: clinical testing. Allele origin: germline. Affected: no.

GeneDx
Classification: Benign. Last evaluated: 2018-06-26. Review status: criteria provided, single submitter. Criteria: GeneDx Variant Classification Process June 2021. Collection method: clinical testing. Allele origin: germline. Affected: yes.

Breakthrough Genomics
Classification: Benign. Review status: criteria provided, single submitter. Criteria: ACMG Guidelines, 2015. Collection method: not provided. Allele origin: germline. Inheritance: Autosomal recessive inheritance. Affected: yes.